The following is an entry in ClinVar:

NM_015355.4(SUZ12):c.507T>A (p.Asp169Glu)

Gene: SUZ12 (SUZ12 polycomb repressive complex 2 subunit; plus strand). Cytogenetic location: 17q11.2.
Variant type: single nucleotide variant.
Coding change: c.507T>A on transcript NM_015355.4 (MANE Select); coding-DNA position 507, T replaced by A.
Protein change: p.Asp169Glu; replaces aspartic acid 169 with glutamic acid.
Molecular consequence: missense variant.
Genome position (GRCh38, 1-based): chr17:31,973,147, T>A. VCF-style: chr17-31973147-T-A. GRCh37 (hg19) VCF-style: chr17-30300166-T-A.
Other names: c.438T>A, p.Asp146Glu (NM_001321207.2); short protein forms D146E, D169E.
Identifiers: ClinVar variation 4534171 (VCV004534171.6).

ClinVar aggregate classification (germline): Uncertain significance (1 of 4 stars; one submission).

Submission:

CeGaT Center for Human Genetics Tuebingen
Classification: Uncertain significance. Last evaluated: 2025-11-01. Review status: criteria provided, single submitter. Criteria: CeGaT Center For Human Genetics Tuebingen Variant Classification Criteria Version 2. Collection method: clinical testing. Allele origin: germline. Affected: yes. Observed: 1 variant allele.
Comment: SUZ12: PM2